The following is an entry in ClinVar:

ClinVar aggregate classification (germline): Likely benign (1 of 4 stars; one submission).

Conditions:
Colorectal cancer, susceptibility to, 1. Also called: COLORECTAL ADENOMA AND CANCER, SUSCEPTIBILITY TO; COLORECTAL CANCER, SUSCEPTIBILITY TO, ON CHROMOSOME 9. Identifiers: MedGen C1837315, MONDO:0012132, OMIM 608812.

gnomAD v4.1: 2 of 1,613,632 alleles (0.00012%); highest among the groups gnomAD compares: Non-Finnish European, 0.00017%; no homozygotes.

Submission:

Myriad Genetics, Inc.
Classification: Likely benign for Colorectal cancer, susceptibility to, 1. Last evaluated: 2026-04-21. Review status: criteria provided, single submitter. Criteria: Myriad Autosomal Dominant, Autosomal Recessive and X-Linked Classification Criteria (2023). Collection method: clinical testing. Allele origin: unknown.
Comment: This variant is considered likely benign. This variant is intronic and is not expected to impact mRNA splicing.

NM_024642.5(GALNT12):c.372-19A>T

Gene: GALNT12 (polypeptide N-acetylgalactosaminyltransferase 12; plus strand). Cytogenetic location: 9q22.33.
Variant type: single nucleotide variant.
Coding change: c.372-19A>T on transcript NM_024642.5 (MANE Select); 19 bases into the intron before coding-DNA position 372, A replaced by T.
Molecular consequence: intron variant.
Genome position (GRCh38, 1-based): chr9:98,823,237, A>T. VCF-style: chr9-98823237-A-T. GRCh37 (hg19) VCF-style: chr9-101585519-A-T.
Identifiers: ClinVar variation 4875734 (VCV004875734.1).